The following is an entry in ClinVar:

NM_030631.4(SLC25A21):c.484G>A (p.Gly162Ser)

Gene: SLC25A21 (solute carrier family 25 member 21; minus strand). Cytogenetic location: 14q13.3.
Variant type: single nucleotide variant.
Coding change: c.484G>A on transcript NM_030631.4 (MANE Select); coding-DNA position 484, G replaced by A.
Protein change: p.Gly162Ser; replaces glycine 162 with serine.
Molecular consequence: missense variant.
Genome position (GRCh38, 1-based): chr14:36,711,437, C>T on the plus strand (G>A on the coding strand, the complement: SLC25A21 is on the minus strand). VCF-style: chr14-36711437-C-T. GRCh37 (hg19) VCF-style: chr14-37180642-C-T.
Other names: c.484G>A, p.Gly162Ser (NM_001171170.2); short protein forms G162S.
Identifiers: ClinVar variation 1492564 (VCV001492564.6), dbSNP rs1883863696, ClinGen allele CA389465779.
Genomic context (GRCh38, chr14:36,711,437, plus strand): 5'-AAACTCCATGTCGTCCCAAAGTTGCAGTTAATCCTTTGTTGAGGCCCTGGAGTCCCCAGC[C>T]TTCCTTCTTAATGATTTGTCTTGCATAACCCACAGTGGATGGTTGCTGCAGAAGAGAGAA-3'
Protein context (NP_085134.1, residues 152-172): GYARQIIKKE[Gly162Ser]WGLQGLNKGL

ClinVar aggregate classification (germline): Uncertain significance (1 of 4 stars; one submission).

Allele frequency attached by ClinVar (database versions not stated): gnomAD exomes below 0.00001; TOPMed below 0.00001.
gnomAD v4.1: 2 of 1,614,138 alleles (0.00012%); highest among the groups gnomAD compares: Admixed American, 0.0017%; no homozygotes.

Submission:

Labcorp Genetics (formerly Invitae), Labcorp
Classification: Uncertain significance. Last evaluated: 2023-06-25. Review status: criteria provided, single submitter. Criteria: Invitae Variant Classification Sherloc (09022015). Collection method: clinical testing. Allele origin: germline.
Comment: An algorithm developed to predict the effect of missense changes on protein structure and function (PolyPhen-2) suggests that this variant is likely to be disruptive. In summary, the available evidence is currently insufficient to determine the role of this variant in disease. Therefore, it has been classified as a Variant of Uncertain Significance. ClinVar contains an entry for this variant (Variation ID: 1492564). This variant has not been reported in the literature in individuals affected with SLC25A21-related conditions. This variant is not present in population databases (gnomAD no frequency). This sequence change replaces glycine, which is neutral and non-polar, with serine, which is neutral and polar, at codon 162 of the SLC25A21 protein (p.Gly162Ser).